The following is an entry in ClinVar:

ClinVar aggregate classification (germline): Benign. Review status: criteria provided, multiple submitters, no conflicts (2 of 4 stars). 3 submissions from 3 submitters: Benign (3). Last evaluated 2026-02-03.

Conditions:
Spastic paraplegia. Identifiers: MedGen C0037772, HP:0001258.

Allele frequency attached by ClinVar (database versions not stated): 1000 Genomes Project 30x 0.00187; 1000 Genomes Project 0.00200; TOPMed 0.00595; ESP Exome Variant Server 0.00753; gnomAD 0.00804 and 0.00832; gnomAD exomes 0.00926 and 0.01079; ExAC 0.00963.

Submissions (3):

Labcorp Genetics (formerly Invitae), Labcorp
Classification: Benign for Spastic paraplegia. Last evaluated: 2026-02-03. Review status: criteria provided, single submitter. Criteria: Invitae Variant Classification Sherloc (09022015). Collection method: clinical testing. Allele origin: germline.

ARUP Laboratories, Molecular Genetics and Genomics, ARUP Laboratories
Classification: Benign. Last evaluated: 2025-04-21. Review status: criteria provided, single submitter. Criteria: ARUP Molecular Germline Variant Investigation Process 2024. Collection method: clinical testing. Allele origin: germline.

GeneDx
Classification: Benign. Last evaluated: 2016-07-29. Review status: criteria provided, single submitter. Criteria: GeneDx Variant Classification (06012015). Collection method: clinical testing. Allele origin: germline. Affected: yes.
Comment: This variant is considered likely benign or benign based on one or more of the following criteria: it is a conservative change, it occurs at a poorly conserved position in the protein, it is predicted to be benign by multiple in silico algorithms, and/or has population frequency not consistent with disease.

NM_004984.4(KIF5A):c.2023+18C>T

Gene: KIF5A (kinesin family member 5A; plus strand). Cytogenetic location: 12q13.3.
Variant type: single nucleotide variant.
Coding change: c.2023+18C>T on transcript NM_004984.4 (MANE Select); 18 bases into the intron after coding-DNA position 2023, C replaced by T.
Molecular consequence: intron variant.
Genome position (GRCh38, 1-based): chr12:57,575,775, C>T. VCF-style: chr12-57575775-C-T. GRCh37 (hg19) VCF-style: chr12-57969558-C-T.
Other names: c.1756+18C>T (NM_001354705.2).
Identifiers: ClinVar variation 380831 (VCV000380831.24), dbSNP rs192960012, ClinGen allele CA6652970.